The following is an entry in ClinVar:

ClinVar aggregate classification (germline): Likely benign (0 of 4 stars; one submission).

Conditions:
KIRREL3-related disorder. Also called: KIRREL3-related condition.

Allele frequency attached by ClinVar (database versions not stated): TOPMed 0.00009; gnomAD exomes 0.00010; ESP Exome Variant Server 0.00016; ExAC 0.00007; gnomAD 0.00009.
gnomAD v4.1: 161 of 1,612,928 alleles (0.01%); highest among the groups gnomAD compares: Middle Eastern, 0.13%; no homozygotes.

Submission:

PreventionGenetics, part of Exact Sciences
Classification: Likely benign for KIRREL3-related condition. Last evaluated: 2020-04-29. Review status: no assertion criteria provided. Collection method: clinical testing. Allele origin: germline.
Comment: This variant is classified as likely benign based on ACMG/AMP sequence variant interpretation guidelines (Richards et al. 2015 PMID: 25741868, with internal and published modifications).

NM_032531.4(KIRREL3):c.1589-5C>T

Gene: KIRREL3 (kirre like nephrin family adhesion molecule 3; minus strand). Cytogenetic location: 11q24.2.
Variant type: single nucleotide variant.
Coding change: c.1589-5C>T on transcript NM_032531.4 (MANE Select); 5 bases into the intron before coding-DNA position 1589, C replaced by T.
Molecular consequence: intron variant.
Genome position (GRCh38, 1-based): chr11:126,431,531, G>A on the plus strand (C>T on the coding strand, the complement: KIRREL3 is on the minus strand). VCF-style: chr11-126431531-G-A. GRCh37 (hg19) VCF-style: chr11-126301426-G-A.
Other names: c.1589-5C>T (NM_001441257.1, NM_001441258.1, NM_001441253.1 and 1 more transcripts); c.1403-5C>T (NM_001441262.1); c.1553-2243C>T (NM_001441261.1); c.1553-5C>T (NM_001301097.2, NM_001441251.1, NM_001441264.1); c.1592-5C>T (NM_001441256.1); c.1628-5C>T (NM_001441254.1, NM_001441263.1); c.1697-5C>T (NM_001441252.1); c.1511-5C>T (NM_001441260.1); and 1 more.
Identifiers: ClinVar variation 3039909 (VCV003039909.2), dbSNP rs377692464, ClinGen allele CA6355799.